The following is an entry in ClinVar:

NM_015557.3(CHD5):c.634G>A (p.Ala212Thr)

Gene: CHD5 (chromodomain helicase DNA binding protein 5; minus strand). Cytogenetic location: 1p36.31.
Variant type: single nucleotide variant.
Coding change: c.634G>A on transcript NM_015557.3 (MANE Select); coding-DNA position 634, G replaced by A.
Protein change: p.Ala212Thr; replaces alanine 212 with threonine.
Molecular consequence: missense variant.
Genome position (GRCh38, 1-based): chr1:6,154,771, C>T on the plus strand (G>A on the coding strand, the complement: CHD5 is on the minus strand). VCF-style: chr1-6154771-C-T. GRCh37 (hg19) VCF-style: chr1-6214831-C-T.
Other names: short protein forms A212T.
Identifiers: ClinVar variation 4881605 (VCV004881605.2).

ClinVar aggregate classification (germline): Uncertain significance (1 of 4 stars; one submission).

Conditions:
Parenti-mignot neurodevelopmental syndrome. Identifiers: MedGen C5676984, MONDO:0859249, OMIM 619873.

Submission:

Dasa
Classification: Uncertain significance for Parenti-mignot neurodevelopmental syndrome. Last evaluated: 2026-01-19. Review status: criteria provided, single submitter. Criteria: DASA Assertion Criteria. Collection method: clinical testing. Allele origin: germline.
Comment: NM_015557.3(CHD5):c.634G>A (p.Ala212Thr) is a missense variant that results in the substitution of alanine with threonine. This variant is absent from population databases. The currently available literature and clinical evidence are not sufficient to establish a definitive association between this variant and the reported condition. Therefore, this variant is classified as a variant of uncertain significance.